The following is an entry in ClinVar:

NM_017780.4(CHD7):c.1053A>G (p.Val351=)

Gene: CHD7 (chromodomain helicase DNA binding protein 7; plus strand). Cytogenetic location: 8q12.2.
Variant type: single nucleotide variant.
Coding change: c.1053A>G on transcript NM_017780.4 (MANE Select); coding-DNA position 1053, A replaced by G.
Protein change: p.Val351=; no amino-acid change (valine 351 retained).
Molecular consequence: synonymous variant.
Genome position (GRCh38, 1-based): chr8:60,742,485, A>G. VCF-style: chr8-60742485-A-G. GRCh37 (hg19) VCF-style: chr8-61655044-A-G.
Other names: c.1053A>G, p.Val351= (NM_001316690.1).
Identifiers: ClinVar variation 700424 (VCV000700424.49), dbSNP rs199880694, ClinGen allele CA4759422.

ClinVar aggregate classification (germline): Likely benign. Review status: criteria provided, multiple submitters, no conflicts (2 of 4 stars). 4 submissions from 4 submitters: Likely benign (4). Last evaluated 2026-01-22.

Conditions:
CHARGE syndrome (CHARGE). Also called: Hittner Hirsch Kreh syndrome; CHARGE ASSOCIATION--COLOBOMA, HEART ANOMALY, CHOANAL ATRESIA, RETARDATION, GENITAL AND EAR ANOMALIES; Coloboma, heart anomaly, choanal atresia, retardation, genital and ear anomalies; CHARGE association; Hall-Hittner syndrome. Identifiers: Orphanet 138, MedGen C0265354, MONDO:0008965.

Allele frequency attached by ClinVar (database versions not stated): gnomAD 0.00003 and 0.00002; TOPMed 0.00003; 1000 Genomes Project 30x 0.00016; 1000 Genomes Project 0.00020.
gnomAD v4.1: 42 of 1,614,024 alleles (0.0026%); highest among the groups gnomAD compares: Middle Eastern, 0.049%; no homozygotes.

Submissions (4):

Labcorp Genetics (formerly Invitae), Labcorp
Classification: Likely benign for CHARGE syndrome. Last evaluated: 2026-01-22. Review status: criteria provided, single submitter. Criteria: Invitae Variant Classification Sherloc (09022015). Collection method: clinical testing. Allele origin: germline.

CeGaT Center for Human Genetics Tuebingen
Classification: Likely benign. Last evaluated: 2023-07-01. Review status: criteria provided, single submitter. Criteria: CeGaT Center For Human Genetics Tuebingen Variant Classification Criteria Version 2. Collection method: clinical testing. Allele origin: germline. Affected: yes. Observed: 3 variant alleles.
Comment: CHD7: BP4, BP7

GeneDx
Classification: Likely benign. Last evaluated: 2020-04-10. Review status: criteria provided, single submitter. Criteria: GeneDx Variant Classification Process June 2021. Collection method: clinical testing. Allele origin: germline. Affected: yes.

Blueprint Genetics
Classification: Likely benign. Last evaluated: 2019-07-18. Review status: criteria provided, single submitter. Criteria: ACMG Guidelines, 2015. Collection method: clinical testing. Allele origin: germline.